The following is an entry in ClinVar:

ClinVar aggregate classification (germline): Uncertain significance (1 of 4 stars; one submission).

gnomAD v4.1: 2 of 1,591,758 alleles (0.00013%); highest among the groups gnomAD compares: East Asian, 0.0045%; no homozygotes.

Submission:

Labcorp Genetics (formerly Invitae), Labcorp
Classification: Uncertain significance. Last evaluated: 2024-07-27. Review status: criteria provided, single submitter. Criteria: Invitae Variant Classification Sherloc (09022015). Collection method: clinical testing. Allele origin: germline.
Comment: This variant occurs in a non-coding region of the EYS gene. It does not change the encoded amino acid sequence of the EYS protein. This variant is present in population databases (rs766102190, gnomAD 0.03%). This variant has not been reported in the literature in individuals affected with EYS-related conditions. In summary, the available evidence is currently insufficient to determine the role of this variant in disease. Therefore, it has been classified as a Variant of Uncertain Significance.

NM_001142800.2(EYS):c.-48T>C

Gene: EYS (EGF-like photoreceptor maintenance factor; minus strand). Cytogenetic location: 6q12.
Variant type: single nucleotide variant.
Coding change: c.-48T>C on transcript NM_001142800.2 (MANE Select); 48 bases upstream of the start codon, T replaced by C.
Molecular consequence: 5 prime UTR variant.
Genome position (GRCh38, 1-based): chr6:65,495,458, A>G on the plus strand (T>C on the coding strand, the complement: EYS is on the minus strand). VCF-style: chr6-65495458-A-G. GRCh37 (hg19) VCF-style: chr6-66205351-A-G.
Other names: c.-48T>C (NM_001142801.2, NM_001292009.2, NM_198283.2).
Identifiers: ClinVar variation 3618833 (VCV003618833.2).